The following is an entry in ClinVar:

ClinVar aggregate classification (germline): Pathogenic/Likely pathogenic. Review status: criteria provided, multiple submitters, no conflicts (2 of 4 stars). 5 submissions from 5 submitters: Pathogenic (1); Likely pathogenic (3). 1 of the submissions does not count toward it. Last evaluated 2025-08-21.

Conditions:
Isovaleryl-CoA dehydrogenase deficiency (IVA). Also called: ISOVALERIC ACID CoA DEHYDROGENASE DEFICIENCY; Isovaleric acidemia; Classic Isovaleric Acidemia; IVD DEFICIENCY. Identifiers: Orphanet 33, MedGen C0268575, MONDO:0009475, OMIM 243500.

Allele frequency attached by ClinVar (database versions not stated): gnomAD exomes below 0.00001; TOPMed below 0.00001; ExAC 0.00001.
gnomAD v4.1: 6 of 1,614,176 alleles (0.00037%); highest among the groups gnomAD compares: East Asian, 0.013%; no homozygotes.

Submissions (5):

Labcorp Genetics (formerly Invitae), Labcorp
Classification: Likely pathogenic for Isovaleryl-CoA dehydrogenase deficiency. Last evaluated: 2025-08-21. Review status: criteria provided, single submitter. Criteria: Invitae Variant Classification Sherloc (09022015). Collection method: clinical testing. Allele origin: germline.
Comment: This sequence change replaces threonine, which is neutral and polar, with alanine, which is neutral and non-polar, at codon 214 of the IVD protein (p.Thr214Ala). This variant is present in population databases (rs747807491, gnomAD 0.02%). This missense change has been observed in individual(s) with isovaleric acidemia (PMID: 32505769, 33210480, 35095998). In at least one individual the data is consistent with being in trans (on the opposite chromosome) from a pathogenic variant. This variant is also known as c.631A>G (p.T211A). ClinVar contains an entry for this variant (Variation ID: 2676194). An algorithm developed to predict the effect of missense changes on protein structure and function (PolyPhen-2) suggests that this variant is likely to be disruptive. In summary, the currently available evidence indicates that the variant is pathogenic, but additional data are needed to prove that conclusively. Therefore, this variant has been classified as Likely Pathogenic.

Fulgent Genetics
Classification: Likely pathogenic for Isovaleryl-CoA dehydrogenase deficiency. Last evaluated: 2024-03-25. Review status: criteria provided, single submitter. Criteria: ACMG Guidelines, 2015. Collection method: clinical testing. Allele origin: germline.

Baylor Genetics
Classification: Likely pathogenic for Isovaleryl-CoA dehydrogenase deficiency. Last evaluated: 2024-01-20. Review status: criteria provided, single submitter. Criteria: ACMG Guidelines, 2015. Collection method: clinical testing. Allele origin: unknown.

Juno Genomics, Hangzhou Juno Genomics, Inc
Classification: Pathogenic for Isovaleryl-CoA dehydrogenase deficiency. Review status: criteria provided, single submitter. Criteria: ACMG Guidelines, 2015. Collection method: clinical testing. Allele origin: germline.
Comment: Absent from controls (or at extremely low frequency if recessive) in Genome Aggregation Database.;Multiple lines of computational evidence support a deleterious effect on the gene or gene product.;For recessive disorders, detected in trans with a pathogenic variant.;Patient's phenotype or family history is highly specific for a disease with a single genetic etiology.

Neonatal Disease Screening Center, Medical Genetics Center, Huaihua City Maternal and Child Health Care Hospital
Classification: Likely pathogenic for Isovaleryl-CoA dehydrogenase deficiency. Review status: no assertion criteria provided. Criteria: ACMG Guidelines, 2015. Collection method: clinical testing. Allele origin: germline. Affected: yes. Observed: 1 variant allele. Not counted in ClinVar's aggregate classification.
Comment: PM2_P+PM3_S+PP3+PP4

Literature cited by the submitters: PubMed 32505769 (cited by Labcorp Genetics (formerly Invitae), Labcorp); PubMed 33210480 (cited by Labcorp Genetics (formerly Invitae), Labcorp); PubMed 35095998 (cited by Labcorp Genetics (formerly Invitae), Labcorp).

NM_002225.5(IVD):c.631A>G (p.Thr211Ala)

Gene: IVD (isovaleryl-CoA dehydrogenase; plus strand). Cytogenetic location: 15q15.1.
Variant type: single nucleotide variant.
Coding change: c.631A>G on transcript NM_002225.5 (MANE Select); coding-DNA position 631, A replaced by G.
Protein change: p.Thr211Ala; replaces threonine 211 with alanine.
Molecular consequence: missense variant. On other transcripts: non-coding transcript variant (1).
Genome position (GRCh38, 1-based): chr15:40,411,635, A>G. VCF-style: chr15-40411635-A-G. GRCh37 (hg19) VCF-style: chr15-40703834-A-G.
Other names: c.541A>G, p.Thr181Ala (NM_001159508.3); c.583A>G, p.Thr195Ala (NM_001354597.3); c.631A>G, p.Thr211Ala (NM_001354598.3, NM_001354601.3); c.718A>G, p.Thr240Ala (NM_001354599.3, NM_001354600.3); short protein forms T181A, T195A, T211A, T240A.
Identifiers: ClinVar variation 2676194 (VCV002676194.10), dbSNP rs747807491, ClinGen allele CA7480700.